The following is an entry in ClinVar:

NM_182493.3(MYLK3):c.155G>A (p.Ser52Asn)

Gene: MYLK3 (myosin light chain kinase 3; minus strand). Cytogenetic location: 16q11.2.
Variant type: single nucleotide variant.
Coding change: c.155G>A on transcript NM_182493.3 (MANE Select); coding-DNA position 155, G replaced by A.
Protein change: p.Ser52Asn; replaces serine 52 with asparagine.
Molecular consequence: missense variant. On other transcripts: intron variant (1).
Genome position (GRCh38, 1-based): chr16:46,748,039, C>T on the plus strand (G>A on the coding strand, the complement: MYLK3 is on the minus strand). VCF-style: chr16-46748039-C-T. GRCh37 (hg19) VCF-style: chr16-46781951-C-T.
Other names: c.-113-7892G>A (NM_001308301.1); short protein forms S52N.
Identifiers: ClinVar variation 2096447 (VCV002096447.4), dbSNP rs1967061247, ClinGen allele CA395798826.

ClinVar aggregate classification (germline): Uncertain significance (1 of 4 stars; one submission).

Allele frequency attached by ClinVar (database versions not stated): gnomAD exomes below 0.00001; TOPMed below 0.00001.
gnomAD v4.1: 1 of 1,614,174 alleles (0.000062%); highest among the groups gnomAD compares: Non-Finnish European, 0.000085%; no homozygotes.

Submission:

Labcorp Genetics (formerly Invitae), Labcorp
Classification: Uncertain significance. Last evaluated: 2022-07-09. Review status: criteria provided, single submitter. Criteria: Invitae Variant Classification Sherloc (09022015). Collection method: clinical testing. Allele origin: germline.
Comment: This variant has not been reported in the literature in individuals affected with MYLK3-related conditions. This variant is not present in population databases (gnomAD no frequency). This sequence change replaces serine, which is neutral and polar, with asparagine, which is neutral and polar, at codon 52 of the MYLK3 protein (p.Ser52Asn). Algorithms developed to predict the effect of missense changes on protein structure and function (SIFT, PolyPhen-2, Align-GVGD) all suggest that this variant is likely to be tolerated. In summary, the available evidence is currently insufficient to determine the role of this variant in disease. Therefore, it has been classified as a Variant of Uncertain Significance.